The following is an entry in ClinVar:

ClinVar aggregate classification (germline): Likely pathogenic. Review status: criteria provided, multiple submitters, no conflicts (2 of 4 stars). 2 submissions from 2 submitters: Likely pathogenic (2). Last evaluated 2025-03-24.

Conditions:
Nemaline myopathy 2 (NEM2). Also called: Nemaline myopathy 2, autosomal recessive. Identifiers: MedGen C1850569, MONDO:0009725, OMIM 256030.
Nemaline myopathy. Also called: Myopathies, Nemaline. Identifiers: Orphanet 607, MedGen C0206157, MONDO:0018958.

gnomAD v4.1: 1 of 1,601,316 alleles (0.000062%); no homozygotes.

Submissions (2):

Broad Center for Mendelian Genomics, Broad Institute of MIT and Harvard
Classification: Likely pathogenic for Nemaline myopathy. Last evaluated: 2025-03-24. Review status: criteria provided, single submitter. Criteria: ACMG Guidelines, 2015. Collection method: curation. Allele origin: germline. Inheritance: Autosomal recessive inheritance.
Comment: The c.36+1G>C variant in NEB has not been previously reported in individuals with nemaline myopathy, but has been identified in 0.002% (1/61988) of remaining chromosomes by the Genome Aggregation Database (gnomAD; dbSNP ID: rs1553711195). Although this variant has been seen in the general population in a heterozygous state, its frequency is low enough to be consistent with a recessive carrier frequency. This variant has also been reported in ClinVar (Variation ID: 852793) and has been interpreted as likely pathogenic by Invitae. This variant is located in the 5' splice region. Computational tools predict a splicing impact, though this information is not predictive enough to determine pathogenicity. This variant is adjacent to an in-frame exon and is predicted to cause in-frame exon skipping of the first coding exon. Loss of function of the NEB gene is an established disease mechanism in autosomal recessive nemaline myopathy. In summary, although additional studies are required to fully establish its clinical significance, this variant is likely pathogenic for autosomal recessive nemaline myopathy. ACMG/AMP Criteria applied: PVS1, PM2_supporting (Richards 2015).

Labcorp Genetics (formerly Invitae), Labcorp
Classification: Likely pathogenic for Nemaline myopathy 2. Last evaluated: 2019-02-08. Review status: criteria provided, single submitter. Criteria: Invitae Variant Classification Sherloc (09022015). Collection method: clinical testing. Allele origin: germline.
Comment: This sequence change affects a donor splice site in intron 3 of the NEB gene. It is expected to disrupt RNA splicing and likely results in an absent or disrupted protein product. This variant is not present in population databases (ExAC no frequency). This variant has not been reported in the literature in individuals with NEB-related conditions. Algorithms developed to predict the effect of sequence changes on RNA splicing suggest that this variant may disrupt the consensus splice site, but this prediction has not been confirmed by published transcriptional studies. Donor and acceptor splice site variants typically lead to a loss of protein function (PMID: 16199547), and loss-of-function variants in NEB are known to be pathogenic (PMID: 25205138). In summary, the currently available evidence indicates that the variant is pathogenic, but additional data are needed to prove that conclusively. Therefore, this variant has been classified as Likely Pathogenic.

Literature cited by the submitters: PubMed 25205138 (cited by Labcorp Genetics (formerly Invitae), Labcorp).

NM_001164508.2(NEB):c.36+1G>C

Gene: NEB (nebulin; minus strand). Cytogenetic location: 2q23.3.
Variant type: single nucleotide variant.
Coding change: c.36+1G>C on transcript NM_001164508.2 (MANE Select); the canonical splice donor site of the intron after coding-DNA position 36, G replaced by C.
Molecular consequence: splice donor variant.
Genome position (GRCh38, 1-based): chr2:151,733,120, C>G on the plus strand (G>C on the coding strand, the complement: NEB is on the minus strand). VCF-style: chr2-151733120-C-G. GRCh37 (hg19) VCF-style: chr2-152589634-C-G.
Other names: c.36+1G>C (NM_004543.5, NM_001164507.2, NM_001271208.2).
Identifiers: ClinVar variation 852793 (VCV000852793.2), dbSNP rs1553711195, ClinGen allele CA348797512.